The following is an entry in ClinVar:

ClinVar aggregate classification (germline): Uncertain significance. Review status: criteria provided, multiple submitters, no conflicts (2 of 4 stars). 2 submissions from 2 submitters: Uncertain significance (2). Last evaluated 2024-07-30.

Conditions:
Cardiovascular phenotype. Identifiers: MedGen CN230736.

Allele frequency attached by ClinVar (database versions not stated): gnomAD exomes below 0.00001.
gnomAD v4.1: 1 of 1,612,358 alleles (0.000062%); highest among the groups gnomAD compares: Admixed American, 0.0017%; no homozygotes.

Submissions (2):

GeneDx
Classification: Uncertain significance. Last evaluated: 2024-07-30. Review status: criteria provided, single submitter. Criteria: GeneDx Variant Classification Process June 2021. Collection method: clinical testing. Allele origin: germline. Affected: yes.
Comment: Not observed at significant frequency in large population cohorts (gnomAD); In silico analysis supports that this missense variant has a deleterious effect on protein structure/function; Has not been previously published as pathogenic or benign to our knowledge

Ambry Genetics
Classification: Uncertain significance for Cardiovascular phenotype. Last evaluated: 2022-08-29. Review status: criteria provided, single submitter. Criteria: Ambry Variant Classification Scheme 2023. Collection method: clinical testing. Allele origin: germline.
Comment: The p.G90S variant (also known as c.268G>A), located in coding exon 4 of the TXNRD2 gene, results from a G to A substitution at nucleotide position 268. The glycine at codon 90 is replaced by serine, an amino acid with similar properties. This amino acid position is conserved. In addition, this alteration is predicted to be deleterious by in silico analysis. Since supporting evidence is limited at this time, the clinical significance of this alteration remains unclear.

NM_006440.5(TXNRD2):c.268G>A (p.Gly90Ser)

Gene: TXNRD2 (thioredoxin reductase 2; minus strand). Cytogenetic location: 22q11.21.
Variant type: single nucleotide variant.
Coding change: c.268G>A on transcript NM_006440.5 (MANE Select); coding-DNA position 268, G replaced by A.
Protein change: p.Gly90Ser; replaces glycine 90 with serine.
Molecular consequence: missense variant. On other transcripts: 5 prime UTR variant (1), non-coding transcript variant (1).
Genome position (GRCh38, 1-based): chr22:19,918,966, C>T on the plus strand (G>A on the coding strand, the complement: TXNRD2 is on the minus strand). VCF-style: chr22-19918966-C-T. GRCh37 (hg19) VCF-style: chr22-19906489-C-T.
Other names: c.268G>A, p.Gly90Ser (NM_001282512.3); c.265G>A, p.Gly89Ser (NM_001352300.2); c.178G>A, p.Gly60Ser (NM_001352301.2); c.-21G>A (NM_001352302.2); c.172G>A, p.Gly58Ser (NM_001352303.2); short protein forms G58S, G89S, G90S, G60S.
Identifiers: ClinVar variation 1794781 (VCV001794781.3), dbSNP rs1313908318, ClinGen allele CA410693986.